The following is an entry in ClinVar:

ClinVar aggregate classification (germline): Pathogenic (1 of 4 stars; one submission).

Conditions:
Cohen syndrome (COH1). Also called: PEPPER SYNDROME; Cutis verticis gyrata, retinitis pigmentosa, and sensorineural deafness. Identifiers: Orphanet 193, MedGen C0265223, MONDO:0008999, OMIM 216550.

Submission:

Myriad Genetics, Inc.
Classification: Pathogenic for Cohen syndrome. Last evaluated: 2024-04-24. Review status: criteria provided, single submitter. Criteria: Myriad Autosomal Dominant, Autosomal Recessive and X-Linked Classification Criteria (2023). Collection method: clinical testing. Allele origin: unknown.
Comment: NM_017890.4(VPS13B):c.10414C>T(Q3472*) is expected to be pathogenic in the context of Cohen syndrome. This variant is predicted to lead to an abnormal or absent protein product due to the creation of a premature termination codon in VPS13B, a gene where loss-of-function variants are known to be pathogenic. Please note: this variant was assessed in the context of healthy population screening.

NM_152564.5(VPS13B):c.10339C>T (p.Gln3447Ter)

Gene: VPS13B (vacuolar protein sorting 13 homolog B; plus strand). Cytogenetic location: 8q22.2.
Variant type: single nucleotide variant.
Coding change: c.10339C>T on transcript NM_152564.5 (MANE Select); coding-DNA position 10339, C replaced by T.
Protein change: p.Gln3447Ter; replaces glutamine 3447 with a stop codon.
Molecular consequence: nonsense.
Genome position (GRCh38, 1-based): chr8:99,853,728, C>T. VCF-style: chr8-99853728-C-T. GRCh37 (hg19) VCF-style: chr8-100865956-C-T.
Other names: c.10414C>T, p.Gln3472Ter (NM_017890.5); short protein forms Q3447*, Q3472*.
Identifiers: ClinVar variation 5012946 (VCV005012946.1).
Genomic context (GRCh38, chr8:99,853,728, plus strand): 5'-CTGCAGCTAGACAACCAGCTTTATAACAAGTCCAATTTCCACTTTGCTGTCTTAGTCTGC[C>T]AGGGAGAAAAAGCAGAACCCATTCAGTGTTCCAAAATGCAGAGTCTCCTCATATCCAACA-3'